The following is an entry in ClinVar:

ClinVar aggregate classification (germline): Uncertain significance (1 of 4 stars; one submission).

Conditions:
Spermatogenic failure 18. Identifiers: MedGen C4539783, MONDO:0054615, OMIM 617576.
Ciliary dyskinesia, primary, 37 (CILD37). Also called: CILIARY DYSKINESIA, PRIMARY, 37, WITH OR WITHOUT SITUS INVERSUS. Identifiers: MedGen C4539798, MONDO:0033204, OMIM 617577.

gnomAD v4.1: 10 of 1,613,962 alleles (0.00062%); highest among the groups gnomAD compares: Admixed American, 0.0017%; no homozygotes.

Submission:

Labcorp Genetics (formerly Invitae), Labcorp
Classification: Uncertain significance for Ciliary dyskinesia, primary, 37; Spermatogenic failure 18. Last evaluated: 2022-07-28. Review status: criteria provided, single submitter. Criteria: Invitae Variant Classification Sherloc (09022015). Collection method: clinical testing. Allele origin: germline.
Comment: Algorithms developed to predict the effect of missense changes on protein structure and function are either unavailable or do not agree on the potential impact of this missense change (SIFT: "Deleterious"; PolyPhen-2: "Benign"; Align-GVGD: "Class C0"). In summary, the available evidence is currently insufficient to determine the role of this variant in disease. Therefore, it has been classified as a Variant of Uncertain Significance. This variant has not been reported in the literature in individuals affected with DNAH1-related conditions. This variant is present in population databases (rs778191005, gnomAD 0.003%). This sequence change replaces proline, which is neutral and non-polar, with leucine, which is neutral and non-polar, at codon 4002 of the DNAH1 protein (p.Pro4002Leu).

NM_015512.5(DNAH1):c.12005C>T (p.Pro4002Leu)

Gene: DNAH1 (dynein axonemal heavy chain 1; plus strand). Cytogenetic location: 3p21.1.
Variant type: single nucleotide variant.
Coding change: c.12005C>T on transcript NM_015512.5 (MANE Select); coding-DNA position 12005, C replaced by T.
Protein change: p.Pro4002Leu; replaces proline 4002 with leucine.
Molecular consequence: missense variant.
Genome position (GRCh38, 1-based): chr3:52,398,078, C>T. VCF-style: chr3-52398078-C-T. GRCh37 (hg19) VCF-style: chr3-52432094-C-T.
Other names: short protein forms P4002L.
Identifiers: ClinVar variation 2079179 (VCV002079179.4), dbSNP rs778191005, ClinGen allele CA2436356.